The following is an entry in ClinVar:

NM_152564.5(VPS13B):c.1034G>A (p.Trp345Ter)

Gene: VPS13B (vacuolar protein sorting 13 homolog B; plus strand). Cytogenetic location: 8q22.2.
Variant type: single nucleotide variant.
Coding change: c.1034G>A on transcript NM_152564.5 (MANE Select); coding-DNA position 1034, G replaced by A.
Protein change: p.Trp345Ter; replaces tryptophan 345 with a stop codon.
Molecular consequence: nonsense. On other transcripts: non-coding transcript variant (1).
Genome position (GRCh38, 1-based): chr8:99,121,273, G>A. VCF-style: chr8-99121273-G-A. GRCh37 (hg19) VCF-style: chr8-100133501-G-A.
Other names: c.1034G>A, p.Trp345Ter (NM_015243.3, NM_017890.5, NM_181661.3); short protein forms W345*.
Identifiers: ClinVar variation 2823704 (VCV002823704.4), dbSNP rs2488710351, ClinGen allele CA371860974.

ClinVar aggregate classification (germline): Pathogenic (1 of 4 stars; one submission).

Conditions:
Cohen syndrome (COH1). Also called: Cutis verticis gyrata, retinitis pigmentosa, and sensorineural deafness; PEPPER SYNDROME. Identifiers: Orphanet 193, MedGen C0265223, MONDO:0008999, OMIM 216550.

Submission:

Labcorp Genetics (formerly Invitae), Labcorp
Classification: Pathogenic for Cohen syndrome. Last evaluated: 2026-01-04. Review status: criteria provided, single submitter. Criteria: Invitae Variant Classification Sherloc (09022015). Collection method: clinical testing. Allele origin: germline.
Comment: This sequence change creates a premature translational stop signal (p.Trp345*) in the VPS13B gene. It is expected to result in an absent or disrupted protein product. Loss-of-function variants in VPS13B are known to be pathogenic (PMID: 15141358, 16648375, 20461111). This variant is not present in population databases (gnomAD no frequency). This variant has not been reported in the literature in individuals affected with VPS13B-related conditions. ClinVar contains an entry for this variant (Variation ID: 2823704). For these reasons, this variant has been classified as Pathogenic.

Literature cited by the submitters: PubMed 15141358; PubMed 16648375; PubMed 20461111.